The following is an entry in ClinVar:

NM_006734.4(HIVEP2):c.1781C>T (p.Ala594Val)

Gene: HIVEP2 (HIVEP zinc finger 2; minus strand). Cytogenetic location: 6q24.2.
Variant type: single nucleotide variant.
Coding change: c.1781C>T on transcript NM_006734.4 (MANE Select); coding-DNA position 1781, C replaced by T.
Protein change: p.Ala594Val; replaces alanine 594 with valine.
Molecular consequence: missense variant.
Genome position (GRCh38, 1-based): chr6:142,772,958, G>A on the plus strand (C>T on the coding strand, the complement: HIVEP2 is on the minus strand). VCF-style: chr6-142772958-G-A. GRCh37 (hg19) VCF-style: chr6-143094095-G-A.
Other names: short protein forms A594V.
Identifiers: ClinVar variation 2432459 (VCV002432459.6), dbSNP rs541110984, ClinGen allele CA4028536.

ClinVar aggregate classification (germline): Conflicting classifications of pathogenicity. Review status: criteria provided, conflicting classifications (1 of 4 stars). 4 submissions from 4 submitters: Uncertain significance (1); Likely benign (3). Last evaluated 2026-04-15.

Conditions:
Intellectual developmental disorder, autosomal dominant 43. Also called: Intellectual disability, autosomal dominant 43. Identifiers: MedGen C4707429, MONDO:0014858, OMIM 616977.

Allele frequency attached by ClinVar (database versions not stated): gnomAD 0.00001; gnomAD exomes 0.00001; TOPMed 0.00001; ExAC 0.00002; 1000 Genomes Project 30x 0.00016; 1000 Genomes Project 0.00020.
gnomAD v4.1: 20 of 1,614,128 alleles (0.0012%); highest among the groups gnomAD compares: South Asian, 0.0055%; no homozygotes.

Submissions (4):

Women's Health and Genetics/Laboratory Corporation of America, LabCorp
Classification: Likely benign. Last evaluated: 2026-04-15. Review status: criteria provided, single submitter. Criteria: LabCorp Variant Classification Summary - May 2015. Collection method: clinical testing. Allele origin: germline.
Comment: Variant summary: HIVEP2 c.1781C>T (p.Ala594Val) results in a non-conservative amino acid change in the encoded protein sequence. Algorithms developed to predict the effect of missense changes on protein structure and function are either unavailable or do not agree on the potential impact of this missense change. The variant allele was found at a frequency of 1.2e-05 in 249518 control chromosomes. The available data on variant occurrences in the general population are insufficient to allow any conclusion about variant significance. To our knowledge, no occurrence of c.1781C>T in individuals affected with HIVEP2-related conditions and no experimental evidence demonstrating its impact on protein function have been reported. ClinVar contains an entry for this variant (Variation ID: 2432459). Based on the evidence outlined above, the variant was classified as likely benign.

Labcorp Genetics (formerly Invitae), Labcorp
Classification: Likely benign. Last evaluated: 2025-04-23. Review status: criteria provided, single submitter. Criteria: Invitae Variant Classification Sherloc (09022015). Collection method: clinical testing. Allele origin: germline.

Blueprint Genetics
Classification: Likely benign. Last evaluated: 2024-07-15. Review status: criteria provided, single submitter. Criteria: ACMG Guidelines, 2015. Collection method: clinical testing. Allele origin: germline.

Revvity Omics, Revvity
Classification: Uncertain significance for Intellectual developmental disorder, autosomal dominant 43. Last evaluated: 2021-08-31. Review status: criteria provided, single submitter. Criteria: ACMG Guidelines, 2015. Collection method: clinical testing. Allele origin: germline.